The following is an entry in ClinVar:

ClinVar aggregate classification (germline): Uncertain significance (1 of 4 stars; one submission).

Conditions:
Infantile spasms. Also called: Infantile spasm. Identifiers: MedGen C3887898, HP:0012469.

Submission:

Labcorp Genetics (formerly Invitae), Labcorp
Classification: Uncertain significance for Infantile spasms. Last evaluated: 2021-05-03. Review status: criteria provided, single submitter. Criteria: Invitae Variant Classification Sherloc (09022015). Collection method: clinical testing. Allele origin: germline.
Comment: Algorithms developed to predict the effect of sequence changes on RNA splicing suggest that this variant may create or strengthen a splice site, but this prediction has not been confirmed by published transcriptional studies. In summary, the available evidence is currently insufficient to determine the role of this variant in disease. Therefore, it has been classified as a Variant of Uncertain Significance. Algorithms developed to predict the effect of missense changes on protein structure and function output the following: SIFT: "Tolerated"; PolyPhen-2: "Benign"; Align-GVGD: "Class C0". The arginine amino acid residue is found in multiple mammalian species, suggesting that this missense change does not adversely affect protein function. These predictions have not been confirmed by published functional studies and their clinical significance is uncertain. This sequence change replaces glycine with arginine at codon 473 of the PIK3AP1 protein (p.Gly473Arg). The glycine residue is moderately conserved and there is a moderate physicochemical difference between glycine and arginine. This variant is not present in population databases (ExAC no frequency). This variant has not been reported in the literature in individuals with PIK3AP1-related conditions.

NM_152309.3(PIK3AP1):c.1417G>A (p.Gly473Arg)

Gene: PIK3AP1 (phosphoinositide-3-kinase adaptor protein 1; minus strand). Cytogenetic location: 10q24.1.
Variant type: single nucleotide variant.
Coding change: c.1417G>A on transcript NM_152309.3 (MANE Select); coding-DNA position 1417, G replaced by A.
Protein change: p.Gly473Arg; replaces glycine 473 with arginine.
Molecular consequence: missense variant.
Genome position (GRCh38, 1-based): chr10:96,628,452, C>T on the plus strand (G>A on the coding strand, the complement: PIK3AP1 is on the minus strand). VCF-style: chr10-96628452-C-T. GRCh37 (hg19) VCF-style: chr10-98388209-C-T.
Other names: short protein forms G473R.
Identifiers: ClinVar variation 1365379 (VCV001365379.8), dbSNP rs2134208864, ClinGen allele CA377756700.